The following is an entry in ClinVar:

NM_001267727.2(ARSG):c.934C>G (p.Leu312Val)

Gene: ARSG (arylsulfatase G; plus strand). Cytogenetic location: 17q24.2.
Variant type: single nucleotide variant.
Coding change: c.934C>G on transcript NM_001267727.2 (MANE Select); coding-DNA position 934, C replaced by G.
Protein change: p.Leu312Val; replaces leucine 312 with valine.
Molecular consequence: missense variant.
Genome position (GRCh38, 1-based): chr17:68,370,476, C>G. VCF-style: chr17-68370476-C-G. GRCh37 (hg19) VCF-style: chr17-66366617-C-G.
Other names: c.934C>G, p.Leu312Val (NM_001352899.2, NM_001352900.2, NM_001352901.2 and 3 more transcripts); c.931C>G, p.Leu311Val (NM_001352903.2, NM_001352904.2, NM_001352905.2 and 2 more transcripts); c.886C>G, p.Leu296Val (NM_001352909.2); c.934C>G (NM_014960.3); short protein forms L312V, L296V, L311V.
Identifiers: ClinVar variation 1480563 (VCV001480563.10), dbSNP rs772499011, ClinGen allele CA8728403.

ClinVar aggregate classification (germline): Uncertain significance. Review status: criteria provided, multiple submitters, no conflicts (2 of 4 stars). 2 submissions from 2 submitters: Uncertain significance (2). Last evaluated 2025-07-02.

Allele frequency attached by ClinVar (database versions not stated): ExAC 0.00001; gnomAD exomes 0.00001 and 0.00002; TOPMed 0.00001; gnomAD 0.00002.
gnomAD v4.1: 15 of 1,613,984 alleles (0.00093%); highest among the groups gnomAD compares: Admixed American, 0.013%; no homozygotes.

Submissions (2):

Ambry Genetics
Classification: Uncertain significance. Last evaluated: 2025-07-02. Review status: criteria provided, single submitter. Criteria: Ambry Variant Classification Scheme 2023. Collection method: clinical testing. Allele origin: germline.

Labcorp Genetics (formerly Invitae), Labcorp
Classification: Uncertain significance. Last evaluated: 2022-07-27. Review status: criteria provided, single submitter. Criteria: Invitae Variant Classification Sherloc (09022015). Collection method: clinical testing. Allele origin: germline.
Comment: This variant has not been reported in the literature in individuals affected with ARSG-related conditions. ClinVar contains an entry for this variant (Variation ID: 1480563). Algorithms developed to predict the effect of missense changes on protein structure and function are either unavailable or do not agree on the potential impact of this missense change (SIFT: "Tolerated"; PolyPhen-2: "Possibly Damaging"; Align-GVGD: "Class C0"). Algorithms developed to predict the effect of sequence changes on RNA splicing suggest that this variant may create or strengthen a splice site. In summary, the available evidence is currently insufficient to determine the role of this variant in disease. Therefore, it has been classified as a Variant of Uncertain Significance. This variant is present in population databases (rs772499011, gnomAD 0.009%). This sequence change replaces leucine, which is neutral and non-polar, with valine, which is neutral and non-polar, at codon 312 of the ARSG protein (p.Leu312Val).